The following is an entry in ClinVar:

NM_172362.3(KCNH1):c.2640_2641del (p.Cys880_Asp881delinsTer)

Gene: KCNH1 (potassium voltage-gated channel subfamily H member 1; minus strand). Cytogenetic location: 1q32.2.
Variant type: Microsatellite.
Coding change: c.2640_2641del on transcript NM_172362.3 (MANE Select); coding-DNA positions 2640 to 2641, 2 bases deleted (TG; older notation c.2640_2641delTG).
Protein change: p.Cys880_Asp881delinsTer.
Molecular consequence: nonsense.
Genome position (GRCh38, 1-based): chr1:210,683,610-210,683,611, CA deleted on the plus strand (TG on the coding strand, the reverse complement: KCNH1 is on the minus strand); deleting any 2 consecutive bases within chr1:210,683,610-210,683,614 gives the same sequence; the c. name uses the placement nearest the transcript's 3' end. VCF-style (leftmost placement, unchanged base first): chr1-210683609-TCA-T. GRCh37 (hg19) VCF-style: chr1-210856951-TCA-T.
Other names: c.2640_2641del (NM_172362.2); c.2559_2560del, p.Cys853_Asp854delinsTer (NM_002238.4).
Identifiers: ClinVar variation 1644973 (VCV001644973.9), dbSNP rs1681329512, ClinGen allele CA1011851647.

ClinVar aggregate classification (germline): Conflicting classifications of pathogenicity. Review status: criteria provided, conflicting classifications (1 of 4 stars). 2 submissions from 2 submitters: Uncertain significance (1); Likely benign (1). Last evaluated 2026-02-12.

Submissions (2):

GeneDx
Classification: Uncertain significance. Last evaluated: 2026-02-12. Review status: criteria provided, single submitter. Criteria: GeneDx Variant Classification Process June 2021. Collection method: clinical testing. Allele origin: germline.
Comment: Not observed at significant frequency in large population cohorts (gnomAD); Nonsense variant predicted to result in protein truncation as the last 110 amino acid(s) are lost; Has not been previously published as pathogenic or benign to our knowledge

Labcorp Genetics (formerly Invitae), Labcorp
Classification: Likely benign. Last evaluated: 2024-05-29. Review status: criteria provided, single submitter. Criteria: Invitae Variant Classification Sherloc (09022015). Collection method: clinical testing. Allele origin: germline.